The following is an entry in ClinVar:

NM_005591.4(MRE11):c.1897C>G (p.Arg633Gly)

Gene: MRE11 (MRE11 double strand break repair nuclease; minus strand). Cytogenetic location: 11q21.
Variant type: single nucleotide variant.
Coding change: c.1897C>G on transcript NM_005591.4 (MANE Select); coding-DNA position 1897, C replaced by G.
Protein change: p.Arg633Gly; replaces arginine 633 with glycine.
Molecular consequence: missense variant.
Genome position (GRCh38, 1-based): chr11:94,437,206, G>C on the plus strand (C>G on the coding strand, the complement: MRE11 is on the minus strand). VCF-style: chr11-94437206-G-C. GRCh37 (hg19) VCF-style: chr11-94170372-G-C.
Other names: c.1894C>G, p.Arg632Gly (NM_001330347.2, NM_001440464.1, NM_001440465.1); c.1897C>G, p.Arg633Gly (NM_001440460.1, NM_001440461.1, NM_001440462.1 and 2 more transcripts); c.1813C>G, p.Arg605Gly (NM_001440466.1, NM_001440474.1, NM_001440475.1 and 4 more transcripts); c.1834C>G, p.Arg612Gly (NM_001440467.1, NM_001440468.1, NM_001440469.1); c.1831C>G, p.Arg611Gly (NM_001440470.1); c.1822C>G, p.Arg608Gly (NM_001440471.1); c.1819C>G, p.Arg607Gly (NM_001440472.1); c.1816C>G, p.Arg606Gly (NM_001440473.1); and 5 more; short protein forms R517G, R587G, R608G, R632G, R605G, R611G, R612G, R633G.
Identifiers: ClinVar variation 4651165 (VCV004651165.1).
Genomic context (GRCh38, chr11:94,437,206, plus strand): 5'-TAATACACAACCATAAAACTTTTTTTCTTACCTCTGAATAATTCTTAGTAGTGACATTTC[G>C]GGAAGGCTGCTGTCTTGTAGATTTAAAGGCTAGAATGAAAAAGATGAAATGTGCATTATG-3'
Protein context (NP_005582.1, residues 623-643): AFKSTRQQPS[Arg633Gly]NVTTKNYSEV

ClinVar aggregate classification (germline): Uncertain significance (1 of 4 stars; one submission).

Conditions:
Hereditary cancer-predisposing syndrome. Also called: Neoplastic Syndromes, Hereditary; Tumor predisposition; Hereditary Cancer Syndrome; Hereditary neoplastic syndrome. Identifiers: Orphanet 140162, MedGen C0027672, MeSH D009386, MONDO:0015356.

gnomAD v4.1: 1 of 1,612,704 alleles (0.000062%); highest among the groups gnomAD compares: East Asian, 0.0022%; no homozygotes.

Submission:

Ambry Genetics
Classification: Uncertain significance for Hereditary cancer-predisposing syndrome. Last evaluated: 2025-11-19. Review status: criteria provided, single submitter. Criteria: Ambry Variant Classification Scheme 2023. Collection method: clinical testing. Allele origin: germline.
Comment: The p.R633G variant (also known as c.1897C>G), located in coding exon 16 of the MRE11A gene, results from a C to G substitution at nucleotide position 1897. The arginine at codon 633 is replaced by glycine, an amino acid with dissimilar properties. This amino acid position is conserved. In addition, this alteration is predicted to be tolerated by in silico analysis. Based on the available evidence, the clinical significance of this variant remains unclear.